The following is an entry in ClinVar:

ClinVar aggregate classification (germline): Likely benign. Review status: criteria provided, multiple submitters, no conflicts (2 of 4 stars). 2 submissions from 2 submitters: Likely benign (2). Last evaluated 2023-09-01.

Conditions:
Inborn genetic diseases. Identifiers: MedGen C0950123, MeSH D030342.

gnomAD v4.1: 1 of 1,613,694 alleles (0.000062%); highest among the groups gnomAD compares: Non-Finnish European, 0.000085%; no homozygotes.

Submissions (2):

CeGaT Center for Human Genetics Tuebingen
Classification: Likely benign. Last evaluated: 2023-09-01. Review status: criteria provided, single submitter. Criteria: CeGaT Center For Human Genetics Tuebingen Variant Classification Criteria Version 2. Collection method: clinical testing. Allele origin: germline. Affected: yes. Observed: 1 variant allele.
Comment: PIK3CA: PM2:Supporting, BP4, BP7

Ambry Genetics
Classification: Likely benign for Inborn genetic diseases. Last evaluated: 2022-11-05. Review status: criteria provided, single submitter. Criteria: Ambry Variant Classification Scheme 2023. Collection method: clinical testing. Allele origin: germline.

NM_006218.4(PIK3CA):c.714A>G (p.Gln238=)

Gene: PIK3CA (phosphatidylinositol-4,5-bisphosphate 3-kinase catalytic subunit alpha; plus strand). Cytogenetic location: 3q26.32.
Variant type: single nucleotide variant.
Coding change: c.714A>G on transcript NM_006218.4 (MANE Select); coding-DNA position 714, A replaced by G.
Protein change: p.Gln238=; no amino-acid change (glutamine 238 retained).
Molecular consequence: synonymous variant.
Genome position (GRCh38, 1-based): chr3:179,201,441, A>G. VCF-style: chr3-179201441-A-G. GRCh37 (hg19) VCF-style: chr3-178919229-A-G.
Identifiers: ClinVar variation 2453433 (VCV002453433.26), dbSNP rs1362905343, ClinGen allele CA437033716.